The following is an entry in ClinVar:

NM_001009944.3(PKD1):c.12141del (p.Val4048fs)

Gene: PKD1 (polycystin 1, transient receptor potential channel interacting; minus strand). Cytogenetic location: 16p13.3.
Variant type: Deletion.
Coding change: c.12141del on transcript NM_001009944.3 (MANE Select); coding-DNA position 12141, one base deleted (C; older notation c.12141delC).
Protein change: p.Val4048fs; shifts the reading frame from valine 4048.
Molecular consequence: frameshift variant.
Genome position (GRCh38, 1-based): chr16:2,090,588, G deleted on the plus strand (C on the coding strand, the reverse complement: PKD1 is on the minus strand). VCF-style (leftmost placement, unchanged base first): chr16-2090587-CG-C. GRCh37 (hg19) VCF-style: chr16-2140588-CG-C.
Other names: c.12138del, p.Val4047fs (NM_000296.4); short protein forms V4047fs, V4048fs.
Identifiers: ClinVar variation 4879599 (VCV004879599.1).

ClinVar aggregate classification (germline): Pathogenic (1 of 4 stars; one submission).

Conditions:
Polycystic kidney disease, adult type (PKD1). Also called: Polycystic Kidney Disease 1, Autosomal Dominant; Polycystic kidney disease 1; Polycystic kidney disease 1, severe; POLYCYSTIC KIDNEY DISEASE, ADULT, TYPE I; Polycystic Kidney, Autosomal Dominant; POLYCYSTIC KIDNEY DISEASE 1 WITH OR WITHOUT POLYCYSTIC LIVER DISEASE. Identifiers: MedGen C3149841, MONDO:0008263, OMIM 173900.

Submission:

Victorian Clinical Genetics Services, Murdoch Childrens Research Institute
Classification: Pathogenic for Polycystic kidney disease, adult type. Last evaluated: 2026-07-22. Review status: criteria provided, single submitter. Criteria: ACMG Guidelines, 2015. Collection method: clinical testing. Allele origin: germline. Affected: yes.
Comment: This variant is classified as Pathogenic. Evidence in support of pathogenic classification: This variant is predicted to result in a truncated protein (premature termination codon is NOT located at least 54 nucleotides upstream of the final exon-exon junction) with less than 1/3 of the protein sequence affected; This variant is absent from gnomAD v4; Other variants comparable to the one identified in this case have very strong previous evidence for pathogenicity (DECIPHER). Additional information: This variant is heterozygous; This gene is associated with autosomal dominant disease. Polycystic kidney disease 1 (MIM#173900) is predominantly caused by monoallelic variants, with rare reports of biallelic variants causing disease (OMIM); Variant affects the annotated polycystin cation channel domain (DECIPHER). - Loss of function is a known mechanism of disease in this gene and is associated with polycystic kidney disease 1 (MIM#173900); Inheritance information for this variant is not currently available in this individual.